The following is an entry in ClinVar:

NM_004415.4(DSP):c.6545G>T (p.Ser2182Ile)

Gene: DSP (desmoplakin; plus strand). Cytogenetic location: 6p24.3.
Variant type: single nucleotide variant.
Coding change: c.6545G>T on transcript NM_004415.4 (MANE Select); coding-DNA position 6545, G replaced by T.
Protein change: p.Ser2182Ile; replaces serine 2182 with isoleucine.
Molecular consequence: missense variant.
Genome position (GRCh38, 1-based): chr6:7,583,807, G>T. VCF-style: chr6-7583807-G-T. GRCh37 (hg19) VCF-style: chr6-7584040-G-T.
Other names: c.4748G>T, p.Ser1583Ile (NM_001008844.3); c.5216G>T, p.Ser1739Ile (NM_001319034.2); short protein forms S1583I, S1739I, S2182I.
Identifiers: ClinVar variation 2935241 (VCV002935241.4), dbSNP rs1759539327, ClinGen allele CA362691027.

ClinVar aggregate classification (germline): Uncertain significance. Review status: criteria provided, multiple submitters, no conflicts (2 of 4 stars). 2 submissions from 2 submitters: Uncertain significance (2). Last evaluated 2025-11-03.

Conditions:
Arrhythmogenic cardiomyopathy with wooly hair and keratoderma. Also called: Arrhythmogenic cardiomyopathy with woolly hair and keratoderma; PALMOPLANTAR KERATODERMA WITH LEFT VENTRICULAR CARDIOMYOPATHY AND WOOLLY HAIR; Carvajal syndrome; Dilated cardiomyopathy with woolly hair and keratoderma. Identifiers: Orphanet 65282, MedGen C1854063, MONDO:0011581, OMIM 605676.
Arrhythmogenic right ventricular dysplasia 8 (ARVD8). Also called: Arrhythmogenic Right Ventricular Dysplasia/Cardiomyopathy 8; ARRHYTHMOGENIC RIGHT VENTRICULAR DYSPLASIA, FAMILIAL, 8; ARRHYTHMOGENIC RIGHT VENTRICULAR CARDIOMYOPATHY 8. Identifiers: MedGen C1843896, MONDO:0011831, OMIM 607450.

Allele frequency attached by ClinVar (database versions not stated): gnomAD exomes below 0.00001; gnomAD 0.00001.
gnomAD v4.1: 2 of 1,614,064 alleles (0.00012%); highest among the groups gnomAD compares: African/African-American, 0.0027%; no homozygotes.

Submissions (2):

Labcorp Genetics (formerly Invitae), Labcorp
Classification: Uncertain significance for Arrhythmogenic cardiomyopathy with wooly hair and keratoderma; Arrhythmogenic right ventricular dysplasia 8. Last evaluated: 2025-11-03. Review status: criteria provided, single submitter. Criteria: Invitae Variant Classification Sherloc (09022015). Collection method: clinical testing. Allele origin: germline.
Comment: This sequence change replaces serine, which is neutral and polar, with isoleucine, which is neutral and non-polar, at codon 2182 of the DSP protein (p.Ser2182Ile). This variant is not present in population databases (gnomAD no frequency). This variant has not been reported in the literature in individuals affected with DSP-related conditions. ClinVar contains an entry for this variant (Variation ID: 2935241). An algorithm developed to predict the effect of missense changes on protein structure and function (PolyPhen-2) suggests that this variant is likely to be disruptive. In summary, the available evidence is currently insufficient to determine the role of this variant in disease. Therefore, it has been classified as a Variant of Uncertain Significance.

GeneDx
Classification: Uncertain significance. Last evaluated: 2024-06-10. Review status: criteria provided, single submitter. Criteria: GeneDx Variant Classification Process June 2021. Collection method: clinical testing. Allele origin: germline. Affected: yes.
Comment: Not observed at significant frequency in large population cohorts (gnomAD); In silico analysis supports that this missense variant has a deleterious effect on protein structure/function; Has not been previously published as pathogenic or benign to our knowledge